The following is an entry in ClinVar:

NM_000368.5(TSC1):c.2217G>C (p.Gln739His)

Gene: TSC1 (TSC complex subunit 1; minus strand). Cytogenetic location: 9q34.13.
Variant type: single nucleotide variant.
Coding change: c.2217G>C on transcript NM_000368.5 (MANE Select); coding-DNA position 2217, G replaced by C.
Protein change: p.Gln739His; replaces glutamine 739 with histidine.
Molecular consequence: missense variant. On other transcripts: non-coding transcript variant (5).
Genome position (GRCh38, 1-based): chr9:132,902,779, C>G on the plus strand (G>C on the coding strand, the complement: TSC1 is on the minus strand). VCF-style: chr9-132902779-C-G. GRCh37 (hg19) VCF-style: chr9-135778166-C-G.
Other names: c.2217G>C, p.Gln739His (NM_001406606.1, NM_001406607.1, NM_001406596.1 and 5 more transcripts); c.2214G>C, p.Gln738His (NM_001406608.1, NM_001406609.1, NM_001406597.1 and 4 more transcripts); c.2064G>C, p.Gln688His (NM_001406610.1, NM_001162427.2); c.2061G>C, p.Gln687His (NM_001406611.1, NM_001406612.1, NM_001406613.1); c.1854G>C, p.Gln618His (NM_001406614.1, NM_001406615.1, NM_001406616.1 and 5 more transcripts); c.1851G>C, p.Gln617His (NM_001406625.1, NM_001406620.1, NM_001406621.1 and 2 more transcripts); c.1266G>C, p.Gln422His (NM_001406626.1); c.1263G>C, p.Gln421His (NM_001406627.1, NM_001406628.1); and 3 more; short protein forms Q618H, Q421H, Q687H, Q738H, Q617H, Q688H, Q739H, Q388H.
Identifiers: ClinVar variation 3329440 (VCV003329440.2).

ClinVar aggregate classification (germline): Uncertain significance (1 of 4 stars; one submission).

Conditions:
Hereditary cancer-predisposing syndrome. Also called: Tumor predisposition; Hereditary Cancer Syndrome; Hereditary neoplastic syndrome; Neoplastic Syndromes, Hereditary. Identifiers: Orphanet 140162, MedGen C0027672, MeSH D009386, MONDO:0015356.

Submission:

Ambry Genetics
Classification: Uncertain significance for Hereditary cancer-predisposing syndrome. Last evaluated: 2026-09-11. Review status: criteria provided, single submitter. Criteria: Ambry Variant Classification Scheme 2023. Collection method: clinical testing. Allele origin: germline.
Comment: The p.Q739H variant (also known as c.2217G>C), located in coding exon 16 of the TSC1 gene, results from a G to C substitution at nucleotide position 2217. The glutamine at codon 739 is replaced by histidine, an amino acid with highly similar properties. This amino acid position is conserved. In addition, this alteration is predicted to be deleterious by in silico analysis. Based on the available evidence, the clinical significance of this variant remains unclear.